The following is an entry in ClinVar:

NM_003803.4(MYOM1):c.3433G>T (p.Val1145Phe)

Gene: MYOM1 (myomesin 1; minus strand). Cytogenetic location: 18p11.31.
Variant type: single nucleotide variant.
Coding change: c.3433G>T on transcript NM_003803.4 (MANE Select); coding-DNA position 3433, G replaced by T.
Protein change: p.Val1145Phe; replaces valine 1145 with phenylalanine.
Molecular consequence: missense variant.
Genome position (GRCh38, 1-based): chr18:3,102,616, C>A on the plus strand (G>T on the coding strand, the complement: MYOM1 is on the minus strand). VCF-style: chr18-3102616-C-A. GRCh37 (hg19) VCF-style: chr18-3102614-C-A.
Other names: c.3145G>T, p.Val1049Phe (NM_019856.2); short protein forms V1049F, V1145F.
Identifiers: ClinVar variation 3671453 (VCV003671453.2).

ClinVar aggregate classification (germline): Uncertain significance (1 of 4 stars; one submission).

Conditions:
Hypertrophic cardiomyopathy. Also called: HYPERTROPHIC MYOCARDIOPATHY. Identifiers: Orphanet 217569, MedGen C0007194, MeSH D002312, MONDO:0005045, HP:0001639.

gnomAD v4.1: 4 of 1,613,338 alleles (0.00025%); highest among the groups gnomAD compares: Non-Finnish European, 0.00034%; no homozygotes.

Submission:

Labcorp Genetics (formerly Invitae), Labcorp
Classification: Uncertain significance for Hypertrophic cardiomyopathy. Last evaluated: 2024-06-26. Review status: criteria provided, single submitter. Criteria: Invitae Variant Classification Sherloc (09022015). Collection method: clinical testing. Allele origin: germline.
Comment: This sequence change replaces valine, which is neutral and non-polar, with phenylalanine, which is neutral and non-polar, at codon 1145 of the MYOM1 protein (p.Val1145Phe). This variant is not present in population databases (gnomAD no frequency). This variant has not been reported in the literature in individuals affected with MYOM1-related conditions. Advanced modeling of protein sequence and biophysical properties (such as structural, functional, and spatial information, amino acid conservation, physicochemical variation, residue mobility, and thermodynamic stability) performed at Invitae indicates that this missense variant is not expected to disrupt MYOM1 protein function with a negative predictive value of 80%. In summary, the available evidence is currently insufficient to determine the role of this variant in disease. Therefore, it has been classified as a Variant of Uncertain Significance.